The following is an entry in ClinVar:

ClinVar aggregate classification (germline): Pathogenic/Likely pathogenic. Review status: criteria provided, multiple submitters, no conflicts (2 of 4 stars). 5 submissions from 5 submitters: Pathogenic (1); Likely pathogenic (2). 2 of the submissions do not count toward it. Last evaluated 2025-11-10.

Conditions:
TH-deficient dopa-responsive dystonia. Also called: Tyrosine Hydroxylase-Deficient Dopa-Responsive Dystonia; DYT-TH; Segawa syndrome, autosomal recessive. Identifiers: Orphanet 101150, MedGen C2673535, MONDO:0011551, OMIM 605407.

Allele frequency attached by ClinVar (database versions not stated): TOPMed 0.00002.

Submissions (5):

Natera, Inc.
Classification: Likely pathogenic for Autosomal recessive Segawa syndrome. Last evaluated: 2025-11-10. Review status: criteria provided, single submitter. Criteria: Natera Variant Classification Schema (03/2026). Collection method: clinical testing. Allele origin: germline.
Comment: The c.1010G>A variant in TH is a missense variant predicted to cause substitution of arginine to histidine at amino acid 337. This variant is rare in the general population with a frequency below the threshold expected for the associated phenotype(s). This variant has been observed in one or more individuals affected with the associated recessive disease, as either homozygous or compound heterozygous with a second variant (PMID: 11246459). This variant has been observed to segregate in affected family members (PMID: 11246459). This variant has been identified in one or more affected individual with a phenotype highly consistent with the associated gene (PMID: 11246459). Computational prediction algorithms indicate this variant is likely to affect gene or protein function. Given the available evidence, this variant is classified as Likely Pathogenic.

Labcorp Genetics (formerly Invitae), Labcorp
Classification: Pathogenic for TH-deficient dopa-responsive dystonia. Last evaluated: 2024-02-04. Review status: criteria provided, single submitter. Criteria: Invitae Variant Classification Sherloc (09022015). Collection method: clinical testing. Allele origin: germline.
Comment: This sequence change replaces arginine, which is basic and polar, with histidine, which is basic and polar, at codon 337 of the TH protein (p.Arg337His). This variant is not present in population databases (gnomAD no frequency). This missense change has been observed in individual(s) with infantile parkinsonism (PMID: 11246459). In at least one individual the data is consistent with being in trans (on the opposite chromosome) from a pathogenic variant. It has also been observed to segregate with disease in related individuals. This variant is also known as R306H. ClinVar contains an entry for this variant (Variation ID: 12328). Advanced modeling of protein sequence and biophysical properties (such as structural, functional, and spatial information, amino acid conservation, physicochemical variation, residue mobility, and thermodynamic stability) has been performed at Invitae for this missense variant, however the output from this modeling did not meet the statistical confidence thresholds required to predict the impact of this variant on TH protein function. Experimental studies have shown that this missense change affects TH function (PMID: 15468323, 24753243). For these reasons, this variant has been classified as Pathogenic.

Baylor Genetics
Classification: Likely pathogenic for TH-deficient dopa-responsive dystonia. Last evaluated: 2023-04-25. Review status: criteria provided, single submitter. Criteria: ACMG Guidelines, 2015. Collection method: clinical testing. Allele origin: unknown.

Counsyl
Classification: Uncertain significance for TH-deficient dopa-responsive dystonia. Last evaluated: 2017-08-11. Review status: no assertion criteria provided. Collection method: clinical testing. Allele origin: unknown. Not counted in ClinVar's aggregate classification.

OMIM
Classification: Pathogenic for SEGAWA SYNDROME, AUTOSOMAL RECESSIVE. Last evaluated: 2000-01-01. Review status: no assertion criteria provided. Collection method: literature only. Allele origin: germline. Not counted in ClinVar's aggregate classification.

Literature cited by the submitters: PubMed 11246459 (cited by 4 submitters); PubMed 15468323 (cited by Labcorp Genetics (formerly Invitae), Labcorp and Counsyl); PubMed 24753243 (cited by Labcorp Genetics (formerly Invitae), Labcorp).

NM_000360.4(TH):c.917G>A (p.Arg306His)

Gene: TH (tyrosine hydroxylase; minus strand). Cytogenetic location: 11p15.5.
Variant type: single nucleotide variant.
Coding change: c.917G>A on transcript NM_000360.4 (MANE Select); coding-DNA position 917, G replaced by A.
Protein change: p.Arg306His; replaces arginine 306 with histidine.
Molecular consequence: missense variant.
Genome position (GRCh38, 1-based): chr11:2,166,693, C>T on the plus strand (G>A on the coding strand, the complement: TH is on the minus strand). VCF-style: chr11-2166693-C-T. GRCh37 (hg19) VCF-style: chr11-2187923-C-T.
Other names: c.1010G>A, p.Arg337His (NM_199292.3); c.998G>A, p.Arg333His (NM_199293.3); short protein forms R337H, R306H, R333H.
Identifiers: ClinVar variation 12328 (VCV000012328.10), dbSNP rs28934580, ClinGen allele CA278131.